The following is an entry in ClinVar:

ClinVar aggregate classification (germline): Uncertain significance. Review status: criteria provided, multiple submitters, no conflicts (2 of 4 stars). 2 submissions from 2 submitters: Uncertain significance (2). Last evaluated 2025-06-12.

Conditions:
Epidermolysis bullosa simplex 7, with nephropathy and deafness. Also called: Nephropathy with Pretibial Epidermolysis Bullosa and Deafness; Nephrotic syndrome - deafness - pretibial epidermolysis bullosa syndrome. Identifiers: Orphanet 300333, MedGen C1836823, MONDO:0012190, OMIM 609057.
RAPH BLOOD GROUP SYSTEM. Also called: MER2 BLOOD CELL ANTIGEN EXPRESSION. Identifiers: MedGen C1867341, OMIM 179620.

Allele frequency attached by ClinVar (database versions not stated): ExAC 0.00013; gnomAD 0.00036 and 0.00038; TOPMed 0.00038; 1000 Genomes Project 0.00040; 1000 Genomes Project 30x 0.00047; ESP Exome Variant Server 0.00069.

Submissions (2):

Labcorp Genetics (formerly Invitae), Labcorp
Classification: Uncertain significance. Last evaluated: 2025-06-12. Review status: criteria provided, single submitter. Criteria: Invitae Variant Classification Sherloc (09022015). Collection method: clinical testing. Allele origin: germline.
Comment: This sequence change replaces leucine, which is neutral and non-polar, with valine, which is neutral and non-polar, at codon 110 of the CD151 protein (p.Leu110Val). This variant is present in population databases (rs146079952, gnomAD 0.1%), and has an allele count higher than expected for a pathogenic variant. This variant has not been reported in the literature in individuals affected with CD151-related conditions. ClinVar contains an entry for this variant (Variation ID: 1355643). An algorithm developed to predict the effect of missense changes on protein structure and function (PolyPhen-2) suggests that this variant is likely to be disruptive. In summary, the available evidence is currently insufficient to determine the role of this variant in disease. Therefore, it has been classified as a Variant of Uncertain Significance.

Fulgent Genetics
Classification: Uncertain significance for RAPH BLOOD GROUP SYSTEM; Epidermolysis bullosa simplex 7, with nephropathy and deafness. Last evaluated: 2022-03-09. Review status: criteria provided, single submitter. Criteria: ACMG Guidelines, 2015. Collection method: clinical testing. Allele origin: unknown.

NM_004357.5(CD151):c.328C>G (p.Leu110Val)

Gene: CD151 (CD151 molecule (Raph blood group); plus strand). Cytogenetic location: 11p15.5.
Variant type: single nucleotide variant.
Coding change: c.328C>G on transcript NM_004357.5 (MANE Select); coding-DNA position 328, C replaced by G.
Protein change: p.Leu110Val; replaces leucine 110 with valine.
Molecular consequence: missense variant.
Genome position (GRCh38, 1-based): chr11:836,820, C>G. VCF-style: chr11-836820-C-G. GRCh37 (hg19) VCF-style: chr11-836820-C-G.
Other names: c.328C>G, p.Leu110Val (NM_001039490.2, NM_139029.2, NM_139030.4); short protein forms L110V.
Identifiers: ClinVar variation 1355643 (VCV001355643.9), dbSNP rs146079952, ClinGen allele CA5792151.